The following is an entry in ClinVar:

ClinVar aggregate classification (germline): Uncertain significance (1 of 4 stars; one submission).

Submission:

Labcorp Genetics (formerly Invitae), Labcorp
Classification: Uncertain significance. Last evaluated: 2022-08-05. Review status: criteria provided, single submitter. Criteria: Invitae Variant Classification Sherloc (09022015). Collection method: clinical testing. Allele origin: germline.
Comment: This variant results in a copy number gain of the genomic region encompassing exon(s) 7-13 of the RFWD3 gene. This region includes the termination codon of the gene. This copy number gain extends beyond the assayed region for this gene and therefore may encompass additional genes. As the precise location of this event is unknown, it may be in tandem or it may be located elsewhere in the genome. This variant has not been reported in the literature in individuals affected with RFWD3-related conditions. In summary, the available evidence is currently insufficient to determine the role of this variant in disease. Therefore, it has been classified as a Variant of Uncertain Significance.

NC_000016.9:g.(?_74657826)_(74671888_?)dup

Gene: RFWD3 (ring finger and WD repeat domain 3; minus strand). Cytogenetic location: 16q23.1.
Variant type: Duplication.
Identifiers: ClinVar variation 2426447 (VCV002426447.4).